The following is an entry in ClinVar:

ClinVar aggregate classification (germline): Benign/Likely benign. Review status: criteria provided, multiple submitters, no conflicts (2 of 4 stars). 11 submissions from 11 submitters: Benign (7); Likely benign (1). 3 of the submissions do not count toward it. Last evaluated 2026-02-03.

Conditions:
Episodic ataxia type 2 (EA2). Also called: ACETAZOLAMIDE-RESPONSIVE HEREDITARY PAROXYSMAL CEREBELLAR ATAXIA; ATAXIA, EPISODIC, WITH NYSTAGMUS; ATAXIA, FAMILIAL PAROXYSMAL; CEREBELLAR ATAXIA, PAROXYSMAL, ACETAZOLAMIDE-RESPONSIVE; CEREBELLOPATHY, HEREDITARY PAROXYSMAL; EPISODIC ATAXIA, NYSTAGMUS-ASSOCIATED. Identifiers: Orphanet 97, MedGen C1720416, MONDO:0007163, OMIM 108500.
Developmental and epileptic encephalopathy, 42 (DEE42A). Also called: DEVELOPMENTAL AND EPILEPTIC ENCEPHALOPATHY 42A; EPILEPTIC ENCEPHALOPATHY, EARLY INFANTILE, 42A; Epileptic encephalopathy, early infantile, 42. Identifiers: MedGen C4310716, MONDO:0014917, OMIM 617106.
Spinocerebellar ataxia type 6 (SCA6). Identifiers: Orphanet 98758, MedGen C0752124, MONDO:0008457, OMIM 183086.
Migraine, familial hemiplegic, 1. Also called: MIGRAINE, FAMILIAL HEMIPLEGIC 1, WITH PROGRESSIVE CEREBELLAR ATAXIA. Identifiers: Orphanet 569, MedGen C1832884, MONDO:0020756, OMIM 141500, MONDO:0007714.
Inborn genetic diseases. Identifiers: MedGen C0950123, MeSH D030342.

Allele frequency attached by ClinVar (database versions not stated): gnomAD exomes 0.00191 and 0.00467; ExAC 0.01596; ESP Exome Variant Server 0.01687; 1000 Genomes Project 0.02037; 1000 Genomes Project 30x 0.02061; TOPMed 0.02285.
gnomAD v4.1: 5,259 of 1,309,830 alleles (0.4%); highest among the groups gnomAD compares: African/African-American, 7%; 145 homozygotes.

Submissions (11):

Labcorp Genetics (formerly Invitae), Labcorp
Classification: Benign for Developmental and epileptic encephalopathy, 42; Episodic ataxia type 2. Last evaluated: 2026-02-03. Review status: criteria provided, single submitter. Criteria: Invitae Variant Classification Sherloc (09022015). Collection method: clinical testing. Allele origin: germline.

Mayo Clinic Laboratories, Mayo Clinic
Classification: Benign. Last evaluated: 2024-03-04. Review status: criteria provided, single submitter. Criteria: ACMG Guidelines, 2015. Collection method: clinical testing. Allele origin: germline. Observed: 21 variant alleles.

Fulgent Genetics
Classification: Likely benign for Episodic ataxia type 2; Migraine, familial hemiplegic, 1; Spinocerebellar ataxia type 6; Developmental and epileptic encephalopathy, 42. Last evaluated: 2021-10-08. Review status: criteria provided, single submitter. Criteria: ACMG Guidelines, 2015. Collection method: clinical testing. Allele origin: unknown.

Athena Diagnostics
Classification: Benign. Last evaluated: 2018-12-28. Review status: criteria provided, single submitter. Criteria: Athena Diagnostics Criteria. Collection method: clinical testing. Allele origin: germline.

Ambry Genetics
Classification: Benign for Inborn genetic diseases. Last evaluated: 2016-06-27. Review status: criteria provided, single submitter. Criteria: Ambry Variant Classification Scheme 2023. Collection method: clinical testing. Allele origin: germline.

Eurofins Ntd Llc (ga)
Classification: Benign. Last evaluated: 2016-05-18. Review status: criteria provided, single submitter. Criteria: EGL Classification Definitions 2015. Collection method: clinical testing. Allele origin: germline. Observed: 1 variant allele, 1 heterozygote.

GeneDx
Classification: Benign. Last evaluated: 2016-01-13. Review status: criteria provided, single submitter. Criteria: GeneDx Variant Classification (06012015). Collection method: clinical testing. Allele origin: germline. Affected: yes.
Comment: This variant is considered likely benign or benign based on one or more of the following criteria: it is a conservative change, it occurs at a poorly conserved position in the protein, it is predicted to be benign by multiple in silico algorithms, and/or has population frequency not consistent with disease.

Breakthrough Genomics
Classification: Benign. Review status: criteria provided, single submitter. Criteria: ACMG Guidelines, 2015. Collection method: not provided. Allele origin: germline. Inheritance: Autosomal dominant inheritance. Affected: yes.

Genetic Services Laboratory, University of Chicago
Classification: Likely benign for AllHighlyPenetrant. Review status: no assertion criteria provided. Collection method: clinical testing. Allele origin: germline. Inheritance: Autosomal dominant inheritance. Not counted in ClinVar's aggregate classification.
Comment: Likely benign based on allele frequency in 1000 Genomes Project or ESP global frequency and its presence in a patient with a rare or unrelated disease phenotype. NOT Sanger confirmed.

Genome Diagnostics Laboratory, University Medical Center Utrecht
Classification: Likely benign. Review status: no assertion criteria provided. Collection method: clinical testing. Allele origin: germline. Affected: yes. Study: VKGL Data-share Consensus. Not counted in ClinVar's aggregate classification.

Laboratory of Diagnostic Genome Analysis, Leiden University Medical Center (LUMC)
Classification: Benign. Review status: no assertion criteria provided. Collection method: clinical testing. Allele origin: germline. Affected: yes. Study: VKGL Data-share Consensus. Not counted in ClinVar's aggregate classification.

NM_001127222.2(CACNA1A):c.6342C>G (p.Thr2114=)

Gene: CACNA1A (calcium voltage-gated channel subunit alpha1 A; minus strand). Cytogenetic location: 19p13.13.
Variant type: single nucleotide variant.
Coding change: c.6342C>G on transcript NM_001127222.2 (MANE Select); coding-DNA position 6342, C replaced by G.
Protein change: p.Thr2114=; no amino-acid change (threonine 2114 retained).
Molecular consequence: synonymous variant.
Genome position (GRCh38, 1-based): chr19:13,209,496, G>C on the plus strand (C>G on the coding strand, the complement: CACNA1A is on the minus strand). VCF-style: chr19-13209496-G-C. GRCh37 (hg19) VCF-style: chr19-13320310-G-C.
Other names: p.Thr2115=; c.6360C>G, p.Thr2120= (NM_000068.4, NM_023035.3); c.6345C>G, p.Thr2115= (NM_001127221.2); c.6351C>G, p.Thr2117= (NM_001174080.2).
Identifiers: ClinVar variation 128557 (VCV000128557.28), dbSNP rs16049, ClinGen allele CA152118.